The following is an entry in ClinVar:

NM_001103.4(ACTN2):c.1727T>C (p.Met576Thr)

Gene: ACTN2 (actinin alpha 2; plus strand). Cytogenetic location: 1q43.
Variant type: single nucleotide variant.
Coding change: c.1727T>C on transcript NM_001103.4 (MANE Select); coding-DNA position 1727, T replaced by C.
Protein change: p.Met576Thr; replaces methionine 576 with threonine.
Molecular consequence: missense variant.
Genome position (GRCh38, 1-based): chr1:236,751,540, T>C. VCF-style: chr1-236751540-T-C. GRCh37 (hg19) VCF-style: chr1-236914840-T-C.
Other names: c.1727T>C, p.Met576Thr (NM_001278343.2); c.1103T>C, p.Met368Thr (NM_001278344.2); c.1727T>C (NM_001103.2); short protein forms M576T, M368T.
Identifiers: ClinVar variation 691721 (VCV000691721.7), dbSNP rs1572143354, ClinGen allele CA345385867.

ClinVar aggregate classification (germline): Conflicting classifications of pathogenicity. Review status: criteria provided, conflicting classifications (1 of 4 stars). 3 submissions from 3 submitters: Uncertain significance (2); Likely benign (1). Last evaluated 2023-05-09.

Conditions:
Congestive heart failure. Identifiers: MedGen C0018802, MONDO:0005009, HP:0001635.
Dilated cardiomyopathy 1AA (CMD1AA). Also called: CARDIOMYOPATHY, DILATED, 1AA, WITH OR WITHOUT LEFT VENTRICULAR NONCOMPACTION; CARDIOMYOPATHY, FAMILIAL HYPERTROPHIC, 23, WITH OR WITHOUT LEFT VENTRICULAR NONCOMPACTION; Cardiomyopathy, dilated, 1AA, with or without LVNC. Identifiers: Orphanet 154, MedGen C2677338, MONDO:0012808, OMIM 612158.
Primary familial hypertrophic cardiomyopathy (HCM). Identifiers: Orphanet 99739, MedGen C0949658, MeSH D024741, MONDO:0024573. Inheritance: Various modes of inheritance.

Submissions (3):

GeneDx
Classification: Uncertain significance. Last evaluated: 2023-05-09. Review status: criteria provided, single submitter. Criteria: GeneDx Variant Classification Process June 2021. Collection method: clinical testing. Allele origin: germline. Affected: yes.
Comment: Not observed at significant frequency in large population cohorts (gnomAD); In silico analysis supports that this missense variant does not alter protein structure/function; Has not been previously published as pathogenic or benign to our knowledge

Labcorp Genetics (formerly Invitae), Labcorp
Classification: Uncertain significance for Primary familial hypertrophic cardiomyopathy; Dilated cardiomyopathy 1AA. Last evaluated: 2022-03-31. Review status: criteria provided, single submitter. Criteria: Invitae Variant Classification Sherloc (09022015). Collection method: clinical testing. Allele origin: germline.
Comment: In summary, the available evidence is currently insufficient to determine the role of this variant in disease. Therefore, it has been classified as a Variant of Uncertain Significance. Advanced modeling of protein sequence and biophysical properties (such as structural, functional, and spatial information, amino acid conservation, physicochemical variation, residue mobility, and thermodynamic stability) performed at Invitae indicates that this missense variant is not expected to disrupt ACTN2 protein function. ClinVar contains an entry for this variant (Variation ID: 691721). This variant has not been reported in the literature in individuals affected with ACTN2-related conditions. This variant is not present in population databases (gnomAD no frequency). This sequence change replaces methionine, which is neutral and non-polar, with threonine, which is neutral and polar, at codon 576 of the ACTN2 protein (p.Met576Thr).

Center for Advanced Laboratory Medicine, UC San Diego Health, University of California San Diego
Classification: Likely benign for Congestive heart failure. Last evaluated: 2017-12-06. Review status: criteria provided, single submitter. Criteria: ACMG Guidelines, 2015. Collection method: clinical testing. Allele origin: germline. Affected: yes. Observed: 1 variant allele.